The following is an entry in ClinVar:

NM_017947.4(MOCOS):c.1367T>C (p.Leu456Pro)

Gene: MOCOS (molybdenum cofactor sulfurase; plus strand). Cytogenetic location: 18q12.2.
Variant type: single nucleotide variant.
Coding change: c.1367T>C on transcript NM_017947.4 (MANE Select); coding-DNA position 1367, T replaced by C.
Protein change: p.Leu456Pro; replaces leucine 456 with proline.
Molecular consequence: missense variant.
Genome position (GRCh38, 1-based): chr18:36,215,547, T>C. VCF-style: chr18-36215547-T-C. GRCh37 (hg19) VCF-style: chr18-33795510-T-C.
Other names: short protein forms L456P.
Identifiers: ClinVar variation 949546 (VCV000949546.11), dbSNP rs866172904, ClinGen allele CA298664169.

ClinVar aggregate classification (germline): Uncertain significance. Review status: criteria provided, multiple submitters, no conflicts (2 of 4 stars). 3 submissions from 3 submitters: Uncertain significance (3). Last evaluated 2024-05-16.

Conditions:
Xanthinuria type II. Also called: Xanthine dehydrogenase and aldehyde oxidase combined deficiency of; XDH and AOX dual deficiency. Identifiers: Orphanet 3467, Orphanet 93602, MedGen C1863688, MONDO:0011346, OMIM 603592.

Allele frequency attached by ClinVar (database versions not stated): gnomAD exomes below 0.00001; TOPMed below 0.00001.

Submissions (3):

Labcorp Genetics (formerly Invitae), Labcorp
Classification: Uncertain significance for Xanthinuria type II. Last evaluated: 2024-05-16. Review status: criteria provided, single submitter. Criteria: Invitae Variant Classification Sherloc (09022015). Collection method: clinical testing. Allele origin: germline.
Comment: This sequence change replaces leucine, which is neutral and non-polar, with proline, which is neutral and non-polar, at codon 456 of the MOCOS protein (p.Leu456Pro). This variant is not present in population databases (gnomAD no frequency). This variant has not been reported in the literature in individuals affected with MOCOS-related conditions. ClinVar contains an entry for this variant (Variation ID: 949546). Advanced modeling of protein sequence and biophysical properties (such as structural, functional, and spatial information, amino acid conservation, physicochemical variation, residue mobility, and thermodynamic stability) performed at Invitae indicates that this missense variant is expected to disrupt MOCOS protein function with a positive predictive value of 80%. In summary, the available evidence is currently insufficient to determine the role of this variant in disease. Therefore, it has been classified as a Variant of Uncertain Significance.

Blueprint Genetics
Classification: Uncertain significance. Last evaluated: 2023-03-16. Review status: criteria provided, single submitter. Criteria: ACMG Guidelines, 2015. Collection method: clinical testing. Allele origin: germline.

Fulgent Genetics
Classification: Uncertain significance for Xanthinuria type II. Last evaluated: 2022-05-18. Review status: criteria provided, single submitter. Criteria: ACMG Guidelines, 2015. Collection method: clinical testing. Allele origin: unknown.